The following is an entry in ClinVar:

ClinVar aggregate classification (germline): Uncertain significance. Review status: criteria provided, multiple submitters, no conflicts (2 of 4 stars). 11 submissions from 11 submitters: Uncertain significance (9). 2 of the submissions do not count toward it. Last evaluated 2026-02-02.

Conditions:
Familial cancer of breast. Also called: BREAST CANCER, FAMILIAL; hereditary breast carcinoma; Hereditary breast cancer. Identifiers: Orphanet 227535, MedGen C0346153, MONDO:0016419, OMIM 114480. Disease mechanism: loss of function.
Hereditary cancer-predisposing syndrome. Also called: Tumor predisposition; Hereditary Cancer Syndrome; Hereditary neoplastic syndrome; Neoplastic Syndromes, Hereditary. Identifiers: Orphanet 140162, MedGen C0027672, MeSH D009386, MONDO:0015356.
Pancreatic cancer, susceptibility to, 3. Identifiers: Orphanet 1333, MedGen C3150547, MONDO:0013236, OMIM 613348.
Fanconi anemia complementation group N. Also called: PALB2-Related Fanconi Anemia. Identifiers: Orphanet 84, MedGen C1835817, MONDO:0012565, OMIM 610832. Disease mechanism: loss of function.

Allele frequency attached by ClinVar (database versions not stated): gnomAD exomes below 0.00001 and 0.00001; ExAC 0.00001; gnomAD 0.00001; TOPMed 0.00001; ESP Exome Variant Server 0.00008.
gnomAD v4.1: 12 of 1,613,486 alleles (0.00074%); highest among the groups gnomAD compares: South Asian, 0.0033%; no homozygotes.

Submissions (11):

Labcorp Genetics (formerly Invitae), Labcorp
Classification: Uncertain significance for Familial cancer of breast. Last evaluated: 2026-02-02. Review status: criteria provided, single submitter. Criteria: Invitae Variant Classification Sherloc (09022015). Collection method: clinical testing. Allele origin: germline.
Comment: This sequence change replaces glutamic acid, which is acidic and polar, with lysine, which is basic and polar, at codon 13 of the PALB2 protein (p.Glu13Lys). This variant is present in population databases (rs373287455, gnomAD 0.0009%). This missense change has been observed in individual(s) with breast cancer, esophageal cancer, colorectal cancer or multifocal fibrosis in the pancreas (PMID: 21279724, 27616075, 28135145, 28767289). This missense change has been observed to co-occur in individuals with a different variant in PALB2 that has been determined to be pathogenic (internal data), but the significance of this finding is unclear. ClinVar contains an entry for this variant (Variation ID: 182792). An algorithm developed to predict the effect of missense changes on protein structure and function (PolyPhen-2) suggests that this variant is likely to be disruptive. In summary, the available evidence is currently insufficient to determine the role of this variant in disease. Therefore, it has been classified as a Variant of Uncertain Significance.

Color Diagnostics, LLC DBA Color Health
Classification: Uncertain significance for Hereditary cancer-predisposing syndrome. Last evaluated: 2025-07-14. Review status: criteria provided, single submitter. Criteria: ACMG Guidelines, 2015. Collection method: clinical testing. Allele origin: germline.
Comment: This missense variant replaces glutamic acid with lysine at codon 13 of the PALB2 protein. Computational prediction suggests that this variant may not impact protein structure and function. To our knowledge, functional studies have not been reported for this variant. This variant has been reported in individuals affected with breast cancer (PMID: 27616075, 33471991Leiden Open Variation Database DB-ID PALB2_010575), squamous cell carcinoma (PMID: 21279724), colorectal cancer (PMID: 28135145) and kidney cancer (PMID: 35886069). This variant has also been reported in an unaffected control individual (PMID: 28767289). This variant has been identified in 1/247874 chromosomes in the general population by the Genome Aggregation Database (gnomAD). The available evidence is insufficient to determine the role of this variant in disease conclusively. Therefore, this variant is classified as a Variant of Uncertain Significance.

Quest Diagnostics Nichols Institute San Juan Capistrano
Classification: Uncertain significance. Last evaluated: 2024-12-13. Review status: criteria provided, single submitter. Criteria: Quest Diagnostics criteria. Collection method: clinical testing. Allele origin: unknown.
Comment: The PALB2 c.37G>A (p.Glu13Lys) variant has been reported in the published literature in individuals with kidney cancer (PMID: 35886069 (2022)), breast cancer (PMID: 29522266 (2018), 27616075 (2016)), and colorectal cancer (PMID: 28135145 (2017)). In a large scale breast cancer association study, this variant has been observed in one breast cancer case and no reportedly healthy individuals (PMID: 33471991 (2021), see also LOVD). The frequency of this variant in the general population (Genome Aggregation Database) is uninformative in the assessment of its pathogenicity. Analysis of this variant using bioinformatics tools for the prediction of the effect of amino acid changes on protein structure and function yielded conflicting predictions that this variant is benign or damaging. Based on the available information, we are unable to determine the clinical significance of this variant.

Ambry Genetics
Classification: Uncertain significance for Hereditary cancer-predisposing syndrome. Last evaluated: 2024-10-31. Review status: criteria provided, single submitter. Criteria: Ambry Variant Classification Scheme 2023. Collection method: clinical testing. Allele origin: germline.
Comment: The p.E13K variant (also known as c.37G>A), located in coding exon 1 of the PALB2 gene, results from a G to A substitution at nucleotide position 37. The glutamic acid at codon 13 is replaced by lysine, an amino acid with similar properties. This alteration has been reported in multiple familial breast/ovarian cancer patients (Kraus C et al. Int. J. Cancer, 2017 Jan;140:95-102; Decker B et al. J. Med. Genet., 2017 11;54:732-741; Hauke J et al. Cancer Med, 2018 04;7:1349-1358; Paduano F et al. Genes (Basel) 2022 Jul;13(7)), as well as one individual with multifocal fibrosis in pancreas (Shindo K et al. J. Clin. Oncol., 2017 Oct;35:3382-3390). This amino acid position is highly conserved in available vertebrate species. In addition, this alteration is predicted to be tolerated by in silico analysis. Since supporting evidence is limited at this time, the clinical significance of this alteration remains unclear.

Baylor Genetics
Classification: Uncertain significance for Familial cancer of breast. Last evaluated: 2024-01-17. Review status: criteria provided, single submitter. Criteria: ACMG Guidelines, 2015. Collection method: clinical testing. Allele origin: unknown.

GeneDx
Classification: Uncertain significance. Last evaluated: 2023-07-17. Review status: criteria provided, single submitter. Criteria: GeneDx Variant Classification Process June 2021. Collection method: clinical testing. Allele origin: germline. Affected: yes.
Comment: Not observed at significant frequency in large population cohorts (gnomAD); In silico analysis supports that this missense variant does not alter protein structure/function; Observed in individuals with breast, colorectal, renal, or esophageal cancer (Akbari et al., 2011; Decker et al., 2017; Kraus et al., 2017; Yurgelun et al., 2017; Hauke et al., 2018; Paduano et al., 2022); This variant is associated with the following publications: (PMID: 29522266, 21279724, 27616075, 28135145, 28767289, 20871615, 19369211, 28779002, 35886069)

Myriad Genetics, Inc.
Classification: Uncertain significance for Familial cancer of breast. Last evaluated: 2023-03-30. Review status: criteria provided, single submitter. Criteria: Myriad Autosomal Dominant, Autosomal Recessive and X-Linked Classification Criteria (2023). Collection method: clinical testing. Allele origin: unknown.
Comment: This variant is classified as a variant of uncertain significance as there is insufficient evidence to determine its impact on protein function and/or cancer risk.

Fulgent Genetics
Classification: Uncertain significance for Familial cancer of breast; Fanconi anemia complementation group N; Pancreatic cancer, susceptibility to, 3. Last evaluated: 2021-11-03. Review status: criteria provided, single submitter. Criteria: ACMG Guidelines, 2015. Collection method: clinical testing. Allele origin: unknown.

Centre for Mendelian Genomics, University Medical Centre Ljubljana
Classification: Uncertain significance for Familial cancer of breast. Last evaluated: 2018-11-08. Review status: criteria provided, single submitter. Criteria: ACMG Guidelines, 2015. Collection method: clinical testing. Allele origin: unknown. Affected: yes.
Comment: This variant was classified as: Uncertain significance. The available evidence on this variant's pathogenicity is insufficient or conflicting. The following ACMG criteria were applied in classifying this variant: PM2,BP1,PP5.

Leiden Open Variation Database
Classification: Uncertain significance. Last evaluated: 2019-12-04. Review status: no assertion criteria provided. Collection method: curation. Allele origin: germline. Affected: yes. Not counted in ClinVar's aggregate classification.
Comment: Curators: Marc Tischkowitz, Arleen D. Auerbach. Submitter to LOVD: Andreas Laner.

Counsyl
Classification: Uncertain significance for Familial cancer of breast. Last evaluated: 2017-02-07. Review status: no assertion criteria provided. Collection method: clinical testing. Allele origin: unknown. Not counted in ClinVar's aggregate classification.

Literature cited by the submitters: PubMed 21279724 (cited by 3 submitters); PubMed 27616075 (cited by 5 submitters); PubMed 28135145 (cited by 3 submitters); PubMed 28767289 (cited by 4 submitters); PubMed 33471991 (cited by Color Diagnostics, LLC DBA Color Health and Quest Diagnostics Nichols Institute San Juan Capistrano); PubMed 35886069 (cited by Color Diagnostics, LLC DBA Color Health and Quest Diagnostics Nichols Institute San Juan Capistrano); PubMed 29522266 (cited by Quest Diagnostics Nichols Institute San Juan Capistrano and Ambry Genetics); PubMed 28779002 (cited by Quest Diagnostics Nichols Institute San Juan Capistrano and Ambry Genetics); PubMed 39427061 (cited by Quest Diagnostics Nichols Institute San Juan Capistrano); PubMed 38153744 (cited by Quest Diagnostics Nichols Institute San Juan Capistrano).

NM_024675.4(PALB2):c.37G>A (p.Glu13Lys)

Gene: PALB2 (partner and localizer of BRCA2; minus strand). Cytogenetic location: 16p12.2.
Variant type: single nucleotide variant.
Coding change: c.37G>A on transcript NM_024675.4 (MANE Select); coding-DNA position 37, G replaced by A.
Protein change: p.Glu13Lys; replaces glutamic acid 13 with lysine.
Molecular consequence: missense variant.
Genome position (GRCh38, 1-based): chr16:23,641,121, C>T on the plus strand (G>A on the coding strand, the complement: PALB2 is on the minus strand). VCF-style: chr16-23641121-C-T. GRCh37 (hg19) VCF-style: chr16-23652442-C-T.
Other names: p.E13K:GAG>AAG; short protein forms E13K.
Identifiers: ClinVar variation 182792 (VCV000182792.34), dbSNP rs373287455, ClinGen allele CA299802.